The following is an entry in ClinVar:

NM_000465.4(BARD1):c.1134_1135delinsCG (p.Arg378_Lys379delinsSerGlu)

Gene: BARD1 (BRCA1 associated RING domain 1; minus strand). Cytogenetic location: 2q35.
Variant type: Indel.
Coding change: c.1134_1135delinsCG on transcript NM_000465.4 (MANE Select); coding-DNA positions 1134 to 1135, GA replaced by CG.
Protein change: p.Arg378_Lys379delinsSerGlu.
Molecular consequence: missense variant. On other transcripts: non-coding transcript variant (2), intron variant (3).
Genome position (GRCh38, 1-based): chr2:214,780,739-214,780,740, TC replaced by CG on the plus strand (GA replaced by CG on the coding strand, the reverse complement: BARD1 is on the minus strand). VCF-style: chr2-214780739-TC-CG. GRCh37 (hg19) VCF-style: chr2-215645463-TC-CG.
Other names: c.1077_1078delinsCG, p.Arg359_Lys360delinsSerGlu (NM_001282543.2); c.159-28185_159-28184delinsCG (NM_001282548.2); c.215+16321_215+16322delinsCG (NM_001282545.2); c.364+11557_364+11558delinsCG (NM_001282549.2).
Identifiers: ClinVar variation 2088079 (VCV002088079.4), dbSNP rs2469503264, ClinGen allele CA913188004.
Genomic context (GRCh38, chr2:214,780,739, plus strand): 5'-ATGTAGAAGGTGGTGTACCTGGTGAAAGACTAATGAATTCATCGGACATGTTACTGTTTT[TC>CG]CTCCCTGATGTACCACCAACTTTACGTTTGCATGAAGGTGGTGAAGAACATTCAGGCAAT-3'

ClinVar aggregate classification (germline): Uncertain significance (1 of 4 stars; one submission).

Conditions:
Familial cancer of breast. Also called: hereditary breast carcinoma; BREAST CANCER, FAMILIAL; Hereditary breast cancer. Identifiers: Orphanet 227535, MedGen C0346153, MONDO:0016419, OMIM 114480. Disease mechanism: loss of function.

Submission:

Labcorp Genetics (formerly Invitae), Labcorp
Classification: Uncertain significance for Familial cancer of breast. Last evaluated: 2022-07-10. Review status: criteria provided, single submitter. Criteria: Invitae Variant Classification Sherloc (09022015). Collection method: clinical testing. Allele origin: germline.
Comment: This variant, c.1134_1135delinsCG, is a complex sequence change that results in the deletion of 2 and insertion of 2 amino acid(s) in the BARD1 protein (p.Arg378_Lys379delinsSerGlu). Information on the frequency of this variant in the gnomAD database is not available, as this variant may be reported differently in the database. In summary, the available evidence is currently insufficient to determine the role of this variant in disease. Therefore, it has been classified as a Variant of Uncertain Significance. This variant has not been reported in the literature in individuals affected with BARD1-related conditions. Experimental studies and prediction algorithms are not available or were not evaluated, and the functional significance of this variant is currently unknown.